The following is an entry in ClinVar:

ClinVar aggregate classification (germline): Uncertain significance (1 of 4 stars; one submission).

Conditions:
Saldino-Mainzer syndrome (SRTD9). Also called: CONORENAL SYNDROME; Renal dysplasia, retinal pigmentary dystrophy, cerebellar ataxia and skeletal dysplasia; short-rib thoracic dysplasia 9 with or without polydactyly; SHORT-RIB THORACIC DYSPLASIA 9 WITHOUT POLYDACTYLY. Identifiers: Orphanet 140969, MedGen C1849437, MONDO:0009964, OMIM 266920.

Submission:

Labcorp Genetics (formerly Invitae), Labcorp
Classification: Uncertain significance for Saldino-Mainzer syndrome. Last evaluated: 2021-06-13. Review status: criteria provided, single submitter. Criteria: Invitae Variant Classification Sherloc (09022015). Collection method: clinical testing. Allele origin: germline.
Comment: Experimental studies and prediction algorithms are not available or were not evaluated, and the functional significance of this variant is currently unknown. In summary, the available evidence is currently insufficient to determine the role of this variant in disease. Therefore, it has been classified as a Variant of Uncertain Significance. This variant has not been reported in the literature in individuals with IFT140-related conditions. This variant is not present in population databases (ExAC no frequency). This sequence change results in a frameshift in the IFT140 gene (p.Arg1448Glyfs*90). While this is not anticipated to result in nonsense mediated decay, it is expected to disrupt the last 16 amino acids of the IFT140 protein and extend the protein by an additional 74 amino acids.

NM_014714.4(IFT140):c.4341del (p.Arg1448fs)

Gene: IFT140 (intraflagellar transport 140; minus strand). Cytogenetic location: 16p13.3.
Variant type: Deletion.
Coding change: c.4341del on transcript NM_014714.4 (MANE Select); coding-DNA position 4341, one base deleted (C; older notation c.4341delC).
Protein change: p.Arg1448fs; shifts the reading frame from arginine 1448.
Molecular consequence: frameshift variant.
Genome position (GRCh38, 1-based): chr16:1,510,992, G deleted on the plus strand (C on the coding strand, the reverse complement: IFT140 is on the minus strand); the first of 2 consecutive G bases (chr16:1,510,992-1,510,993); deleting either gives the same sequence. VCF-style (leftmost placement, unchanged base first): chr16-1510991-TG-T. GRCh37 (hg19) VCF-style: chr16-1560992-TG-T.
Other names: short protein forms R1448fs.
Identifiers: ClinVar variation 1054206 (VCV001054206.7), dbSNP rs1209319873, ClinGen allele CA620700848.